The following is an entry in ClinVar:

NM_014905.5(GLS):c.854A>T (p.Gln285Leu)

Gene: GLS (glutaminase; plus strand). Cytogenetic location: 2q32.2.
Variant type: single nucleotide variant.
Coding change: c.854A>T on transcript NM_014905.5 (MANE Select); coding-DNA position 854, A replaced by T.
Protein change: p.Gln285Leu; replaces glutamine 285 with leucine.
Molecular consequence: missense variant.
Genome position (GRCh38, 1-based): chr2:190,905,042, A>T. VCF-style: chr2-190905042-A-T. GRCh37 (hg19) VCF-style: chr2-191769768-A-T.
Other names: c.854A>T, p.Gln285Leu (NM_001256310.2, NM_001437282.1, NM_001437283.1); short protein forms Q285L.
Identifiers: ClinVar variation 4088047 (VCV004088047.1).
Genomic context (GRCh38, chr2:190,905,042, plus strand): 5'-TTAAAAATCTCCTTTTAAATAGGCATTCTACTGGAGATACCAAAGTTCCCTTCTGTCTTC[A>T]GTCCTGTGTAAAACCTTTGAAATATGCCATTGCTGTTAATGATCTTGGAACTGAATATGT-3'
Protein context (NP_055720.3, residues 275-295): TGDTKVPFCL[Gln285Leu]SCVKPLKYAI

ClinVar aggregate classification (germline): Uncertain significance (1 of 4 stars; one submission).

Submission:

GeneDx
Classification: Uncertain significance. Last evaluated: 2025-03-27. Review status: criteria provided, single submitter. Criteria: GeneDx Variant Classification Process June 2021. Collection method: clinical testing. Allele origin: germline. Affected: yes.
Comment: Not observed at significant frequency in large population cohorts (gnomAD); In silico analysis supports that this missense variant has a deleterious effect on protein structure/function; Has not been previously published as pathogenic or benign to our knowledge